The following is an entry in ClinVar:

NM_000051.4(ATM):c.1066-16T>C

Gene: ATM (ATM serine/threonine kinase; plus strand). Cytogenetic location: 11q22.3.
Variant type: single nucleotide variant.
Coding change: c.1066-16T>C on transcript NM_000051.4 (MANE Select); 16 bases into the intron before coding-DNA position 1066, T replaced by C.
Molecular consequence: intron variant.
Genome position (GRCh38, 1-based): chr11:108,248,917, T>C. VCF-style: chr11-108248917-T-C. GRCh37 (hg19) VCF-style: chr11-108119644-T-C.
Other names: c.1066-16T>C (NM_001351834.2).
Identifiers: ClinVar variation 2854600 (VCV002854600.4), dbSNP rs2135289430, ClinGen allele CA2725134098.

ClinVar aggregate classification (germline): Likely benign. Review status: criteria provided, multiple submitters, no conflicts (2 of 4 stars). 2 submissions from 2 submitters: Likely benign (2). Last evaluated 2024-04-24.

Conditions:
Familial cancer of breast. Also called: Hereditary breast cancer; hereditary breast carcinoma; BREAST CANCER, FAMILIAL. Identifiers: Orphanet 227535, MedGen C0346153, MONDO:0016419, OMIM 114480. Disease mechanism: loss of function.
Ataxia-telangiectasia syndrome (AT). Also called: LOUIS-BAR SYNDROME; Cerebello-oculocutaneous telangiectasia; Immunodeficiency with ataxia telangiectasia; Ataxia telangiectasia (A-T); ATAXIA-TELANGIECTASIA, COMPLEMENTATION GROUP A; ATAXIA-TELANGIECTASIA, FRESNO VARIANT. Identifiers: Orphanet 100, MedGen C0004135, MONDO:0008840, OMIM 208900.

Submissions (2):

Myriad Genetics, Inc.
Classification: Likely benign for Familial cancer of breast. Last evaluated: 2024-04-24. Review status: criteria provided, single submitter. Criteria: Myriad Autosomal Dominant, Autosomal Recessive and X-Linked Classification Criteria (2023). Collection method: clinical testing. Allele origin: unknown.
Comment: This variant is considered likely benign. This variant is intronic and is not expected to impact mRNA splicing.

Labcorp Genetics (formerly Invitae), Labcorp
Classification: Likely benign for Ataxia-telangiectasia syndrome. Last evaluated: 2024-01-22. Review status: criteria provided, single submitter. Criteria: Invitae Variant Classification Sherloc (09022015). Collection method: clinical testing. Allele origin: germline.